The following is an entry in ClinVar:

ClinVar aggregate classification (germline): Pathogenic (1 of 4 stars; one submission).

Conditions:
Juvenile polyposis syndrome (JPS). Identifiers: Orphanet 2929, MedGen C0345893, MONDO:0017380, OMIM 174900.

Submission:

Myriad Genetics, Inc.
Classification: Pathogenic for Juvenile polyposis syndrome. Last evaluated: 2023-05-26. Review status: criteria provided, single submitter. Criteria: Myriad Autosomal Dominant, Autosomal Recessive and X-Linked Classification Criteria (2023). Collection method: clinical testing. Allele origin: unknown.
Comment: This variant is considered pathogenic. This variant creates a frameshift predicted to result in premature protein truncation.

NM_004329.3(BMPR1A):c.294dup (p.Gly99fs)

Gene: BMPR1A (bone morphogenetic protein receptor type 1A; plus strand). Cytogenetic location: 10q23.2.
Variant type: Duplication.
Coding change: c.294dup on transcript NM_004329.3 (MANE Select); coding-DNA position 294, one base duplicated (A; older notation c.294dupA).
Protein change: p.Gly99fs; shifts the reading frame from glycine 99.
Molecular consequence: frameshift variant. On other transcripts: non-coding transcript variant (3).
Genome position (GRCh38, 1-based): chr10:86,892,190, A duplicated. VCF-style (leftmost placement, unchanged base first): chr10-86892189-C-CA. GRCh37 (hg19) VCF-style: chr10-88651946-C-CA.
Other names: c.294dup, p.Gly99fs (NM_001406559.1, NM_001406560.1, NM_001406561.1 and 23 more transcripts); c.210dup, p.Gly71fs (NM_001406584.1, NM_001406585.1, NM_001406586.1 and 2 more transcripts); short protein forms G71fs, G99fs.
Identifiers: ClinVar variation 2583453 (VCV002583453.2), dbSNP rs2539446205, ClinGen allele CA2582342709.